The following is an entry in ClinVar:

NM_020975.6(RET):c.1523A>T (p.Tyr508Phe)

Gene: RET (ret proto-oncogene; plus strand). Cytogenetic location: 10q11.21.
Variant type: single nucleotide variant.
Coding change: c.1523A>T on transcript NM_020975.6 (MANE Select); coding-DNA position 1523, A replaced by T.
Protein change: p.Tyr508Phe; replaces tyrosine 508 with phenylalanine.
Molecular consequence: missense variant.
Genome position (GRCh38, 1-based): chr10:43,112,099, A>T. VCF-style: chr10-43112099-A-T. GRCh37 (hg19) VCF-style: chr10-43607547-A-T.
Other names: c.1523A>T, p.Tyr508Phe (NM_000323.2, NM_001406743.1, NM_001406744.1 and 6 more transcripts); c.761A>T, p.Tyr254Phe (NM_001355216.2); c.1394A>T, p.Tyr465Phe (NM_001406761.1, NM_001406762.1, NM_001406764.1 and 1 more transcripts); c.1235A>T, p.Tyr412Phe (NM_001406766.1, NM_001406767.1, NM_001406770.1); c.1127A>T, p.Tyr376Phe (NM_001406769.1, NM_001406772.1); c.1085A>T, p.Tyr362Phe (NM_001406771.1, NM_001406773.1); c.998A>T, p.Tyr333Phe (NM_001406774.1); c.797A>T, p.Tyr266Phe (NM_001406775.1, NM_001406776.1, NM_001406777.1 and 1 more transcripts); and 5 more; short protein forms Y178F, Y254F, Y362F, Y465F, Y508F, D166V, D209V, D25V.
Identifiers: ClinVar variation 2969737 (VCV002969737.2), dbSNP rs2132795712, ClinGen allele CA376550168.

ClinVar aggregate classification (germline): Uncertain significance (1 of 4 stars; one submission).

Conditions:
Multiple endocrine neoplasia, type 2 (MEN2). Identifiers: Orphanet 653, MedGen C4048306, MONDO:0019003. Disease mechanism: gain of function.

Submission:

Labcorp Genetics (formerly Invitae), Labcorp
Classification: Uncertain significance for Multiple endocrine neoplasia, type 2. Last evaluated: 2023-03-04. Review status: criteria provided, single submitter. Criteria: Invitae Variant Classification Sherloc (09022015). Collection method: clinical testing. Allele origin: germline.
Comment: This sequence change replaces tyrosine, which is neutral and polar, with phenylalanine, which is neutral and non-polar, at codon 508 of the RET protein (p.Tyr508Phe). This variant is not present in population databases (gnomAD no frequency). This variant has not been reported in the literature in individuals affected with RET-related conditions. Algorithms developed to predict the effect of missense changes on protein structure and function output the following: SIFT: "Not Available"; PolyPhen-2: "Benign"; Align-GVGD: "Not Available". The phenylalanine amino acid residue is found in multiple mammalian species, which suggests that this missense change does not adversely affect protein function. In summary, the available evidence is currently insufficient to determine the role of this variant in disease. Therefore, it has been classified as a Variant of Uncertain Significance.